The following is an entry in ClinVar:

NM_057175.5(NAA15):c.2174_2175del (p.Asp725fs)

Gene: NAA15 (N-alpha-acetyltransferase 15, NatA auxiliary subunit; plus strand). Cytogenetic location: 4q31.1.
Variant type: Deletion.
Coding change: c.2174_2175del on transcript NM_057175.5 (MANE Select); coding-DNA positions 2174 to 2175, 2 bases deleted (AT; older notation c.2174_2175delAT).
Protein change: p.Asp725fs; shifts the reading frame from aspartic acid 725.
Molecular consequence: frameshift variant.
Genome position (GRCh38, 1-based): chr4:139,384,850-139,384,851, AT deleted. VCF-style (leftmost placement, unchanged base first): chr4-139384849-GAT-G. GRCh37 (hg19) VCF-style: chr4-140306003-GAT-G.
Other names: c.2171_2172del, p.Asp724fs (NM_001410842.1); short protein forms D724fs, D725fs.
Identifiers: ClinVar variation 4056635 (VCV004056635.1).

ClinVar aggregate classification (germline): Likely pathogenic (1 of 4 stars; one submission).

Conditions:
Intellectual developmental disorder, autosomal dominant 50, with behavioral abnormalities. Also called: MENTAL RETARDATION, AUTOSOMAL DOMINANT 50; Intellectual disability, autosomal dominant 50. Identifiers: MedGen C4540470, MONDO:0030916, OMIM 617787.

Submission:

Laboratorio de Genetica e Diagnostico Molecular, Hospital Israelita Albert Einstein
Classification: Likely pathogenic for Intellectual developmental disorder, autosomal dominant 50, with behavioral abnormalities. Last evaluated: 2024-08-19. Review status: criteria provided, single submitter. Criteria: ACMG Guidelines, 2015. Collection method: clinical testing. Allele origin: germline. Affected: yes.
Comment: ACMG classification criteria: PVS1 very strong, PM2 supporting